The following is an entry in ClinVar:

NM_001367624.2(ZNF469):c.4418_4419delinsTG (p.Ser1473Leu)

Gene: ZNF469 (zinc finger protein 469; plus strand). Cytogenetic location: 16q24.2.
Variant type: Indel.
Coding change: c.4418_4419delinsTG on transcript NM_001367624.2 (MANE Select); coding-DNA positions 4418 to 4419, CT replaced by TG.
Protein change: p.Ser1473Leu; replaces serine 1473 with leucine.
Molecular consequence: missense variant.
Genome position (GRCh38, 1-based): chr16:88,431,888-88,431,889, CT replaced by TG. VCF-style: chr16-88431888-CT-TG. GRCh37 (hg19) VCF-style: chr16-88498296-CT-TG.
Other names: NM_001127464.1:c.4334_4335delinsTG; short protein forms S1473L.
Identifiers: ClinVar variation 1312126 (VCV001312126.2), dbSNP rs2142306011, ClinGen allele CA2573054281.

ClinVar aggregate classification (germline): Uncertain significance (1 of 4 stars; one submission).

Submission:

GeneDx
Classification: Uncertain significance. Last evaluated: 2020-01-14. Review status: criteria provided, single submitter. Criteria: GeneDx Variant Classification Process June 2021. Collection method: clinical testing. Allele origin: germline. Affected: yes.
Comment: Not observed in large population cohorts (Lek et al., 2016); In silico analysis, which includes protein predictors and evolutionary conservation, supports that this variant does not alter protein structure/function; Has not been previously published as pathogenic or benign to our knowledge